The following is an entry in ClinVar:

NM_032888.4(COL27A1):c.3191G>A (p.Arg1064His)

Gene: COL27A1 (collagen type XXVII alpha 1 chain; plus strand). Cytogenetic location: 9q32.
Variant type: single nucleotide variant.
Coding change: c.3191G>A on transcript NM_032888.4 (MANE Select); coding-DNA position 3191, G replaced by A.
Protein change: p.Arg1064His; replaces arginine 1064 with histidine.
Molecular consequence: missense variant.
Genome position (GRCh38, 1-based): chr9:114,258,590, G>A. VCF-style: chr9-114258590-G-A. GRCh37 (hg19) VCF-style: chr9-117020870-G-A.
Other names: c.3191G>A (NM_032888.2); short protein forms R1064H.
Identifiers: ClinVar variation 1106275 (VCV001106275.10), dbSNP rs368823650, ClinGen allele CA5202307.

ClinVar aggregate classification (germline): Conflicting classifications of pathogenicity. Review status: criteria provided, conflicting classifications (1 of 4 stars). 2 submissions from 2 submitters: Uncertain significance (1); Likely benign (1). Last evaluated 2025-07-22.

Allele frequency attached by ClinVar (database versions not stated): gnomAD 0.00002; TOPMed 0.00005; ExAC 0.00008; ESP Exome Variant Server 0.00008.
gnomAD v4.1: 51 of 1,613,858 alleles (0.0032%); highest among the groups gnomAD compares: Middle Eastern, 0.066%; no homozygotes.

Submissions (2):

GeneDx
Classification: Uncertain significance. Last evaluated: 2025-07-22. Review status: criteria provided, single submitter. Criteria: GeneDx Variant Classification Process June 2021. Collection method: clinical testing. Allele origin: germline. Affected: yes.
Comment: In silico analysis supports that this missense variant has a deleterious effect on protein structure/function; Has not been previously published as pathogenic or benign to our knowledge

Labcorp Genetics (formerly Invitae), Labcorp
Classification: Likely benign. Last evaluated: 2024-01-12. Review status: criteria provided, single submitter. Criteria: Invitae Variant Classification Sherloc (09022015). Collection method: clinical testing. Allele origin: germline.